The following is an entry in ClinVar:

NM_004312.3(ARR3):c.1104T>C (p.Phe368=)

Gene: ARR3 (arrestin 3; plus strand). Cytogenetic location: Xq13.1.
Variant type: single nucleotide variant.
Coding change: c.1104T>C on transcript NM_004312.3 (MANE Select); coding-DNA position 1104, T replaced by C.
Protein change: p.Phe368=; no amino-acid change (phenylalanine 368 retained).
Molecular consequence: synonymous variant.
Genome position (GRCh38, 1-based): chrX:70,281,703, T>C. VCF-style: chrX-70281703-T-C. GRCh37 (hg19) VCF-style: chrX-69501553-T-C.
Identifiers: ClinVar variation 3778225 (VCV003778225.7).

ClinVar aggregate classification (germline): Likely benign (1 of 4 stars; one submission).

Submission:

CeGaT Center for Human Genetics Tuebingen
Classification: Likely benign. Last evaluated: 2025-03-01. Review status: criteria provided, single submitter. Criteria: CeGaT Center For Human Genetics Tuebingen Variant Classification Criteria Version 2. Collection method: clinical testing. Allele origin: germline. Affected: yes. Observed: 1 variant allele.
Comment: ARR3: BP4, BP7, BS2